The following is an entry in ClinVar:

ClinVar aggregate classification (germline): Benign. Review status: criteria provided, multiple submitters, no conflicts (2 of 4 stars). 14 submissions from 10 submitters: Benign (13). 1 of the submissions does not count toward it. Last evaluated 2026-02-04.

Conditions:
Autosomal recessive limb-girdle muscular dystrophy type 2Q (LGMDR17). Also called: MUSCULAR DYSTROPHY, LIMB-GIRDLE, AUTOSOMAL RECESSIVE 17. Identifiers: Orphanet 254361, MedGen C3150989, MONDO:0013390, OMIM 613723.
Epidermolysis bullosa simplex 5B, with muscular dystrophy (EBS5B). Also called: EPIDERMOLYSIS BULLOSA SIMPLEX AND LIMB-GIRDLE MUSCULAR DYSTROPHY; Epidermolysis bullosa simplex with muscular dystrophy. Identifiers: Orphanet 257, MedGen C2931072, MONDO:0009181, OMIM 226670.
Epidermolysis bullosa simplex with nail dystrophy (EBS5D). Identifiers: MedGen C4225309, MONDO:0014661, OMIM 616487.
Epidermolysis bullosa simplex, Ogna type (EBS5A). Also called: EPIDERMOLYSIS BULLOSA SIMPLEX 5A, OGNA TYPE; Pidermolysis bullosa simplex 5A, Ogna type. Identifiers: Orphanet 79401, MedGen C0432317, MONDO:0007555, OMIM 131950.
Epidermolysis bullosa simplex 5C, with pyloric atresia (EBS5C). Also called: PLEC-Related Epidermolysis Bullosa with Pyloric Atresia; Epidermolysis bullosa simplex with pyloric atresia; PLEC1-Related Epidermolysis Bullosa with Pyloric Atresia. Identifiers: Orphanet 158684, MedGen C2677349, MONDO:0012807, OMIM 612138.

Allele frequency attached by ClinVar (database versions not stated): 1000 Genomes Project 30x 0.22939; 1000 Genomes Project 0.23083; ESP Exome Variant Server 0.27612; TOPMed 0.28168; gnomAD 0.29968 and 0.30193; gnomAD exomes 0.33665 and 0.39692; ExAC 0.36158.
gnomAD v4.1: 616,041 of 1,589,884 alleles (39%); highest among the groups gnomAD compares: Non-Finnish European, 42%; 125,601 homozygotes.

Submissions (14):

Labcorp Genetics (formerly Invitae), Labcorp
Classification: Benign for Autosomal recessive limb-girdle muscular dystrophy type 2Q; Epidermolysis bullosa simplex, Ogna type; Epidermolysis bullosa simplex with nail dystrophy; Epidermolysis bullosa simplex 5C, with pyloric atresia; Epidermolysis bullosa simplex 5B, with muscular dystrophy. Last evaluated: 2026-02-04. Review status: criteria provided, single submitter. Criteria: Invitae Variant Classification Sherloc (09022015). Collection method: clinical testing. Allele origin: germline.

Blueprint Genetics
Classification: Benign. Last evaluated: 2024-11-27. Review status: criteria provided, single submitter. Criteria: ACMG Guidelines, 2015. Collection method: clinical testing. Allele origin: germline.

Genome-Nilou Lab
Classification: Benign for Epidermolysis bullosa simplex with nail dystrophy. Last evaluated: 2021-10-25. Review status: criteria provided, single submitter. Criteria: ACMG Guidelines, 2015. Collection method: clinical testing. Allele origin: germline. Affected: no.

Genome-Nilou Lab
Classification: Benign for Epidermolysis bullosa simplex, Ogna type. Last evaluated: 2021-10-25. Review status: criteria provided, single submitter. Criteria: ACMG Guidelines, 2015. Collection method: clinical testing. Allele origin: germline. Affected: no.

Genome-Nilou Lab
Classification: Benign for Epidermolysis bullosa simplex 5B, with muscular dystrophy. Last evaluated: 2021-10-25. Review status: criteria provided, single submitter. Criteria: ACMG Guidelines, 2015. Collection method: clinical testing. Allele origin: germline. Affected: no.

Genome-Nilou Lab
Classification: Benign for Epidermolysis bullosa simplex 5C, with pyloric atresia. Last evaluated: 2021-10-25. Review status: criteria provided, single submitter. Criteria: ACMG Guidelines, 2015. Collection method: clinical testing. Allele origin: germline. Affected: no.

Genome-Nilou Lab
Classification: Benign for Autosomal recessive limb-girdle muscular dystrophy type 2Q. Last evaluated: 2021-10-25. Review status: criteria provided, single submitter. Criteria: ACMG Guidelines, 2015. Collection method: clinical testing. Allele origin: germline. Affected: no.

Mayo Clinic Laboratories, Mayo Clinic
Classification: Benign. Last evaluated: 2017-07-24. Review status: criteria provided, single submitter. Criteria: ACMG Guidelines, 2015. Collection method: clinical testing. Allele origin: germline. Observed: 784 variant alleles.

GeneDx
Classification: Benign. Last evaluated: 2015-03-03. Review status: criteria provided, single submitter. Criteria: GeneDx Variant Classification Process June 2021. Collection method: clinical testing. Allele origin: germline. Affected: yes.

Laboratory for Molecular Medicine, Mass General Brigham Personalized Medicine
Classification: Benign. Last evaluated: 2015-01-13. Review status: criteria provided, single submitter. Criteria: LMM Criteria. Collection method: clinical testing. Allele origin: germline. Observed: 9 variant alleles.
Comment: p.Ala2106Ala in exon 31 of PLEC: This variant is not expected to have clinical s ignificance because it does not alter an amino acid residue and is not located w ithin the splice consensus sequence. It has been identified in 37.4% (3082/8248) of European American chromosomes from a broad population by the NHLBI Exome Seq uencing Project (dbSNP rs2857829).

Eurofins Ntd Llc (ga)
Classification: Benign. Last evaluated: 2013-04-18. Review status: criteria provided, single submitter. Criteria: EGL Classification Definitions 2015. Collection method: clinical testing. Allele origin: germline. Observed: 17 variant alleles, 15 heterozygotes, 2 homozygotes.

Breakthrough Genomics
Classification: Benign. Review status: criteria provided, single submitter. Criteria: ACMG Guidelines, 2015. Collection method: not provided. Allele origin: germline. Inheritance: Autosomal recessive inheritance. Affected: yes.

PreventionGenetics, part of Exact Sciences
Classification: Benign. Review status: criteria provided, single submitter. Criteria: ACMG Guidelines, 2015. Collection method: clinical testing. Allele origin: germline.

Genetic Services Laboratory, University of Chicago
Classification: Likely benign for AllHighlyPenetrant. Review status: no assertion criteria provided. Collection method: clinical testing. Allele origin: germline. Inheritance: Autosomal recessive inheritance. Not counted in ClinVar's aggregate classification.
Comment: Likely benign based on allele frequency in 1000 Genomes Project or ESP global frequency and its presence in a patient with a rare or unrelated disease phenotype. NOT Sanger confirmed.

NM_201384.3(PLEC):c.5907T>C (p.Ala1969=)

Gene: PLEC (plectin; minus strand). Cytogenetic location: 8q24.3.
Variant type: single nucleotide variant.
Coding change: c.5907T>C on transcript NM_201384.3 (MANE Select); coding-DNA position 5907, T replaced by C.
Protein change: p.Ala1969=; no amino-acid change (alanine 1969 retained).
Molecular consequence: synonymous variant.
Genome position (GRCh38, 1-based): chr8:143,924,022, A>G on the plus strand (T>C on the coding strand, the complement: PLEC is on the minus strand). VCF-style: chr8-143924022-A-G. GRCh37 (hg19) VCF-style: chr8-144998190-A-G.
Other names: p.Ala1955=; c.5988T>C, p.Ala1996= (NM_000445.5); c.5865T>C, p.Ala1955= (NM_201378.4); c.5841T>C, p.Ala1947= (NM_201379.3); c.6318T>C, p.Ala2106= (NM_201380.4); c.5811T>C, p.Ala1937= (NM_201381.3); c.5907T>C, p.Ala1969= (NM_201382.4); c.5919T>C, p.Ala1973= (NM_201383.3).
Identifiers: ClinVar variation 93067 (VCV000093067.29), dbSNP rs2857829, ClinGen allele CA146464.